The following is an entry in ClinVar:

ClinVar aggregate classification (germline): Uncertain significance (1 of 4 stars; one submission).

Allele frequency attached by ClinVar (database versions not stated): ESP Exome Variant Server 0.00008; gnomAD exomes 0.00015 and 0.00023; ExAC 0.00017; gnomAD 0.00018; TOPMed 0.00028.
gnomAD v4.1: 265 of 1,614,200 alleles (0.016%); highest among the groups gnomAD compares: South Asian, 0.069%; no homozygotes.

Submission:

Laboratory for Molecular Medicine, Mass General Brigham Personalized Medicine
Classification: Uncertain significance. Last evaluated: 2014-10-16. Review status: criteria provided, single submitter. Criteria: LMM Criteria. Collection method: clinical testing. Allele origin: germline. Observed: 1 variant allele.
Comment: The p.Asn903Ser variant in MYO1A has not been reported in individuals with heari ng loss, but has been identified in 0.012% (1/8600) of European American chromos omes by the NHLBI Exome Sequencing Project (d bSNP rs146373415). Although this variant has been seen in the general population , its frequency is not high enough to rule out a pathogenic role. Computational prediction tools and conservation analyses do not provide strong support for or against an impact to the protein. In summary, the clinical significance of the p.Asn903Ser variant is uncertain.

NM_005379.4(MYO1A):c.2708A>G (p.Asn903Ser)

Gene: MYO1A (myosin IA; minus strand). Cytogenetic location: 12q13.3.
Variant type: single nucleotide variant.
Coding change: c.2708A>G on transcript NM_005379.4 (MANE Select); coding-DNA position 2708, A replaced by G.
Protein change: p.Asn903Ser; replaces asparagine 903 with serine.
Molecular consequence: missense variant.
Genome position (GRCh38, 1-based): chr12:57,029,756, T>C on the plus strand (A>G on the coding strand, the complement: MYO1A is on the minus strand). VCF-style: chr12-57029756-T-C. GRCh37 (hg19) VCF-style: chr12-57423540-T-C.
Other names: c.2708A>G, p.Asn903Ser (NM_001256041.2); short protein forms N903S.
Identifiers: ClinVar variation 178455 (VCV000178455.4), dbSNP rs146373415, ClinGen allele CA182365.